The following is an entry in ClinVar:

ClinVar aggregate classification (germline): Uncertain significance (1 of 4 stars; one submission).

Conditions:
Generalized epilepsy-paroxysmal dyskinesia syndrome (PNKD3). Also called: Paroxysmal nonkinesigenic dyskinesia, 3, with or without generalized epilepsy; Generalized epilepsy and paroxysmal dyskinesia. Identifiers: Orphanet 79137, MedGen C5574945, MONDO:0012276, OMIM 609446.

Allele frequency attached by ClinVar (database versions not stated): TOPMed below 0.00001; gnomAD 0.00001; gnomAD exomes 0.00001; 1000 Genomes Project 30x 0.00016; 1000 Genomes Project 0.00020.
gnomAD v4.1: 19 of 1,613,730 alleles (0.0012%); highest among the groups gnomAD compares: East Asian, 0.0022%; no homozygotes.

Submission:

Labcorp Genetics (formerly Invitae), Labcorp
Classification: Uncertain significance for Generalized epilepsy-paroxysmal dyskinesia syndrome. Last evaluated: 2023-04-19. Review status: criteria provided, single submitter. Criteria: Invitae Variant Classification Sherloc (09022015). Collection method: clinical testing. Allele origin: germline.
Comment: In summary, the available evidence is currently insufficient to determine the role of this variant in disease. Therefore, it has been classified as a Variant of Uncertain Significance. Advanced modeling of protein sequence and biophysical properties (such as structural, functional, and spatial information, amino acid conservation, physicochemical variation, residue mobility, and thermodynamic stability) performed at Invitae indicates that this missense variant is not expected to disrupt KCNMA1 protein function. ClinVar contains an entry for this variant (Variation ID: 2164015). This variant has not been reported in the literature in individuals affected with KCNMA1-related conditions. This variant is not present in population databases (gnomAD no frequency). This sequence change replaces valine, which is neutral and non-polar, with isoleucine, which is neutral and non-polar, at codon 470 of the KCNMA1 protein (p.Val470Ile).

NM_001161352.2(KCNMA1):c.1408G>A (p.Val470Ile)

Gene: KCNMA1 (potassium calcium-activated channel subfamily M alpha 1; minus strand). Cytogenetic location: 10q22.3.
Variant type: single nucleotide variant.
Coding change: c.1408G>A on transcript NM_001161352.2 (MANE Select); coding-DNA position 1408, G replaced by A.
Protein change: p.Val470Ile; replaces valine 470 with isoleucine.
Molecular consequence: missense variant.
Genome position (GRCh38, 1-based): chr10:77,086,520, C>T on the plus strand (G>A on the coding strand, the complement: KCNMA1 is on the minus strand). VCF-style: chr10-77086520-C-T. GRCh37 (hg19) VCF-style: chr10-78846278-C-T.
Other names: c.1408G>A, p.Val470Ile (NM_001322832.2, NM_001322835.2, NM_001410940.1 and 8 more transcripts); c.868G>A, p.Val290Ile (NM_001322838.2); c.1246G>A, p.Val416Ile (NM_001271518.2); short protein forms V470I, V290I, V416I.
Identifiers: ClinVar variation 2164015 (VCV002164015.4), dbSNP rs149000684, ClinGen allele CA210098358.